The following is an entry in ClinVar:

ClinVar aggregate classification (germline): Uncertain significance (1 of 4 stars; one submission).

Allele frequency attached by ClinVar (database versions not stated): gnomAD exomes 0.00001; TOPMed 0.00001; gnomAD 0.00002 and 0.00003; 1000 Genomes Project 30x 0.00016; 1000 Genomes Project 0.00020.
gnomAD v4.1: 7 of 1,550,558 alleles (0.00045%); highest among the groups gnomAD compares: Admixed American, 0.0078%; no homozygotes.

Submission:

Labcorp Genetics (formerly Invitae), Labcorp
Classification: Uncertain significance. Last evaluated: 2022-02-05. Review status: criteria provided, single submitter. Criteria: Invitae Variant Classification Sherloc (09022015). Collection method: clinical testing. Allele origin: germline.
Comment: This variant has not been reported in the literature in individuals affected with MMP9-related conditions. In summary, the available evidence is currently insufficient to determine the role of this variant in disease. Therefore, it has been classified as a Variant of Uncertain Significance. Algorithms developed to predict the effect of missense changes on protein structure and function (SIFT, PolyPhen-2, Align-GVGD) all suggest that this variant is likely to be tolerated. This variant is present in population databases (rs531026399, gnomAD 0.01%). This sequence change replaces proline, which is neutral and non-polar, with leucine, which is neutral and non-polar, at codon 655 of the MMP9 protein (p.Pro655Leu).

NM_004994.3(MMP9):c.1964C>T (p.Pro655Leu)

Genes: MMP9 (matrix metallopeptidase 9; plus strand), SLC12A5-AS1 (SLC12A5 and MMP9 antisense RNA 1; minus strand), LOC130065978 (ATAC-STARR-seq lymphoblastoid silent region 12969; plus strand). Cytogenetic location: 20q13.12.
Variant type: single nucleotide variant.
Coding change: c.1964C>T on transcript NM_004994.3 (MANE Select); coding-DNA position 1964, C replaced by T.
Protein change: p.Pro655Leu; replaces proline 655 with leucine.
Molecular consequence: missense variant. On other transcripts: non-coding transcript variant (1).
Genome position (GRCh38, 1-based): chr20:46,014,433, C>T. VCF-style: chr20-46014433-C-T. GRCh37 (hg19) VCF-style: chr20-44643072-C-T.
Other names: short protein forms P655L.
Identifiers: ClinVar variation 1421424 (VCV001421424.8), dbSNP rs531026399, ClinGen allele CA315636822.